The following is an entry in ClinVar:

ClinVar aggregate classification (germline): Uncertain significance (1 of 4 stars; one submission).

Allele frequency attached by ClinVar (database versions not stated): 1000 Genomes Project 30x 0.00016; 1000 Genomes Project 0.00020.
gnomAD v4.1: 52 of 1,614,208 alleles (0.0032%); highest among the groups gnomAD compares: Non-Finnish European, 0.0042%; no homozygotes.

Submission:

Labcorp Genetics (formerly Invitae), Labcorp
Classification: Uncertain significance. Last evaluated: 2022-08-06. Review status: criteria provided, single submitter. Criteria: Invitae Variant Classification Sherloc (09022015). Collection method: clinical testing. Allele origin: germline.
Comment: This sequence change replaces serine, which is neutral and polar, with isoleucine, which is neutral and non-polar, at codon 1597 of the CEP152 protein (p.Ser1597Ile). The frequency data for this variant in the population databases is considered unreliable, as metrics indicate poor data quality at this position in the gnomAD database. This variant has not been reported in the literature in individuals affected with CEP152-related conditions. Algorithms developed to predict the effect of missense changes on protein structure and function (SIFT, PolyPhen-2, Align-GVGD) all suggest that this variant is likely to be tolerated. In summary, the available evidence is currently insufficient to determine the role of this variant in disease. Therefore, it has been classified as a Variant of Uncertain Significance.

NM_001194998.2(CEP152):c.4958G>T (p.Ser1653Ile)

Gene: CEP152 (centrosomal protein 152; minus strand). Cytogenetic location: 15q21.1.
Variant type: single nucleotide variant.
Coding change: c.4958G>T on transcript NM_001194998.2 (MANE Select); coding-DNA position 4958, G replaced by T.
Protein change: p.Ser1653Ile; replaces serine 1653 with isoleucine.
Molecular consequence: missense variant.
Genome position (GRCh38, 1-based): chr15:48,738,424, C>A on the plus strand (G>T on the coding strand, the complement: CEP152 is on the minus strand). VCF-style: chr15-48738424-C-A. GRCh37 (hg19) VCF-style: chr15-49030621-C-A.
Other names: c.4790G>T, p.Ser1597Ile (NM_014985.4); short protein forms S1597I, S1653I.
Identifiers: ClinVar variation 2418168 (VCV002418168.2), dbSNP rs199863302, ClinGen allele CA7548007.
Genomic context (GRCh38, chr15:48,738,424, plus strand): 5'-TTTTTGAAATCTGACTTTAATCTATCAGCCTTATGACGAGATGGGTGTCCACAATTCACA[C>A]TGATCTTTCCTGGCTCCAAATACGTGGTTTCTTCTGACAGGTATGGAGTTTGATAACGCT-3'
Protein context (NP_001181927.1, residues 1643-1663): ETTYLEPGKI[Ser1653Ile]VNCGHPSRHK